The following is an entry in ClinVar:

NM_000455.5(STK11):c.1120G>C (p.Glu374Gln)

Gene: STK11 (serine/threonine kinase 11; plus strand). Cytogenetic location: 19p13.3.
Variant type: single nucleotide variant.
Coding change: c.1120G>C on transcript NM_000455.5 (MANE Select); coding-DNA position 1120, G replaced by C.
Protein change: p.Glu374Gln; replaces glutamic acid 374 with glutamine.
Molecular consequence: missense variant.
Genome position (GRCh38, 1-based): chr19:1,226,465, G>C. VCF-style: chr19-1226465-G-C. GRCh37 (hg19) VCF-style: chr19-1226464-G-C.
Other names: short protein forms E374Q.
Identifiers: ClinVar variation 142180 (VCV000142180.8), dbSNP rs587782287, ClinGen allele CA022324.

ClinVar aggregate classification (germline): Uncertain significance. Review status: criteria provided, multiple submitters, no conflicts (2 of 4 stars). 2 submissions from 2 submitters: Uncertain significance (2). Last evaluated 2025-02-23.

Conditions:
Hereditary cancer-predisposing syndrome. Also called: Neoplastic Syndromes, Hereditary; Tumor predisposition; Hereditary Cancer Syndrome; Hereditary neoplastic syndrome. Identifiers: Orphanet 140162, MedGen C0027672, MeSH D009386, MONDO:0015356.

gnomAD v4.1: 2 of 1,611,084 alleles (0.00012%); highest among the groups gnomAD compares: Non-Finnish European, 0.00017%; no homozygotes.

Submissions (2):

Ambry Genetics
Classification: Uncertain significance for Hereditary cancer-predisposing syndrome. Last evaluated: 2025-02-23. Review status: criteria provided, single submitter. Criteria: Ambry Variant Classification Scheme 2023. Collection method: clinical testing. Allele origin: germline.
Comment: The p.E374Q variant (also known as c.1120G>C), located in coding exon 9 of the STK11 gene, results from a G to C substitution at nucleotide position 1120. The glutamic acid at codon 374 is replaced by glutamine, an amino acid with highly similar properties. This amino acid position is not well conserved in available vertebrate species. In addition, this alteration is predicted to be tolerated by in silico analysis. Since supporting evidence is limited at this time, the clinical significance of this alteration remains unclear.

GeneDx
Classification: Uncertain significance. Last evaluated: 2022-02-02. Review status: criteria provided, single submitter. Criteria: GeneDx Variant Classification Process June 2021. Collection method: clinical testing. Allele origin: germline. Affected: yes.
Comment: Not observed at significant frequency in large population cohorts (gnomAD); In silico analysis supports that this missense variant does not alter protein structure/function; Has not been previously published as pathogenic or benign to our knowledge; This variant is associated with the following publications: (PMID: 28900777)